The following is an entry in ClinVar:

ClinVar aggregate classification (germline): Uncertain significance. Review status: criteria provided, multiple submitters, no conflicts (2 of 4 stars). 2 submissions from 2 submitters: Uncertain significance (2). Last evaluated 2026-01-06.

Conditions:
Axenfeld-Rieger syndrome type 3 (RIEG3). Also called: AXENFELD-RIEGER ANOMALY WITH CARDIAC DEFECTS AND/OR SENSORINEURAL HEARING LOSS. Identifiers: Orphanet 782, MedGen C2678503, MONDO:0011233, OMIM 602482.

Allele frequency attached by ClinVar (database versions not stated): gnomAD 0.00003 and 0.00018; gnomAD exomes 0.00004; TOPMed 0.00017.
gnomAD v4.1: 43 of 1,429,706 alleles (0.003%); highest among the groups gnomAD compares: Admixed American, 0.077%; 1 homozygote.

Submissions (2):

Labcorp Genetics (formerly Invitae), Labcorp
Classification: Uncertain significance for Axenfeld-Rieger syndrome type 3. Last evaluated: 2026-01-06. Review status: criteria provided, single submitter. Criteria: Invitae Variant Classification Sherloc (09022015). Collection method: clinical testing. Allele origin: germline.
Comment: This sequence change replaces serine, which is neutral and polar, with arginine, which is basic and polar, at codon 269 of the FOXC1 protein (p.Ser269Arg). This variant is present in population databases (no rsID available, gnomAD 0.02%). This variant has not been reported in the literature in individuals affected with FOXC1-related conditions. ClinVar contains an entry for this variant (Variation ID: 469654). An algorithm developed to predict the effect of missense changes on protein structure and function (PolyPhen-2) suggests that this variant is likely to be disruptive. In summary, the available evidence is currently insufficient to determine the role of this variant in disease. Therefore, it has been classified as a Variant of Uncertain Significance.

Blueprint Genetics
Classification: Uncertain significance. Last evaluated: 2023-12-14. Review status: criteria provided, single submitter. Criteria: ACMG Guidelines, 2015. Collection method: clinical testing. Allele origin: germline.

NM_001453.3(FOXC1):c.807C>G (p.Ser269Arg)

Gene: FOXC1 (forkhead box C1; plus strand). Cytogenetic location: 6p25.3.
Variant type: single nucleotide variant.
Coding change: c.807C>G on transcript NM_001453.3 (MANE Select); coding-DNA position 807, C replaced by G.
Protein change: p.Ser269Arg; replaces serine 269 with arginine.
Molecular consequence: missense variant.
Genome position (GRCh38, 1-based): chr6:1,611,252, C>G. VCF-style: chr6-1611252-C-G. GRCh37 (hg19) VCF-style: chr6-1611487-C-G.
Other names: short protein forms S269R.
Identifiers: ClinVar variation 469654 (VCV000469654.9), dbSNP rs1277775861, ClinGen allele CA362559616.